The following is an entry in ClinVar:

NM_003384.3(VRK1):c.769G>A (p.Gly257Ser)

Gene: VRK1 (VRK serine/threonine kinase 1; plus strand). Cytogenetic location: 14q32.2.
Variant type: single nucleotide variant.
Coding change: c.769G>A on transcript NM_003384.3 (MANE Select); coding-DNA position 769, G replaced by A.
Protein change: p.Gly257Ser; replaces glycine 257 with serine.
Molecular consequence: missense variant.
Genome position (GRCh38, 1-based): chr14:96,856,189, G>A. VCF-style: chr14-96856189-G-A. GRCh37 (hg19) VCF-style: chr14-97322526-G-A.
Other names: short protein forms G257S.
Identifiers: ClinVar variation 425053 (VCV000425053.47), dbSNP rs1064797191, ClinGen allele CA16621663.

ClinVar aggregate classification (germline): Uncertain significance. Review status: criteria provided, multiple submitters, no conflicts (2 of 4 stars). 4 submissions from 4 submitters: Uncertain significance (4). Last evaluated 2025-10-30.

Conditions:
Pontocerebellar hypoplasia type 1A (PCH1A). Also called: PONTOCEREBELLAR HYPOPLASIA WITH ANTERIOR HORN CELL DISEASE; PONTOCEREBELLAR HYPOPLASIA WITH INFANTILE SPINAL MUSCULAR ATROPHY. Identifiers: Orphanet 2254, Orphanet 88616, MedGen C1843504, MONDO:0011866, OMIM 607596.

Allele frequency attached by ClinVar (database versions not stated): gnomAD exomes 0.00001.

Submissions (4):

Myriad Genetics, Inc.
Classification: Uncertain significance for Pontocerebellar hypoplasia type 1A. Last evaluated: 2025-10-30. Review status: criteria provided, single submitter. Criteria: Myriad Autosomal Dominant, Autosomal Recessive and X-Linked Classification Criteria (2023). Collection method: clinical testing. Allele origin: unknown.
Comment: NM_003384.2(VRK1):c.769G>A(G257S) is a missense variant classified as a variant of uncertain significance in the context of pontocerebellar hypoplasia, VRK1-related. G257S has been observed in a case with relevant disease (PMID: 32242460). Relevant functional assessments of this variant are available in the literature (PMID: 38554151). G257S has not been observed in referenced population frequency databases. In summary, there is insufficient evidence to classify NM_003384.2(VRK1):c.769G>A(G257S) as pathogenic or benign. Please note: this variant was assessed in the context of healthy population screening.

Fulgent Genetics
Classification: Uncertain significance for Pontocerebellar hypoplasia type 1A. Last evaluated: 2022-05-11. Review status: criteria provided, single submitter. Criteria: ACMG Guidelines, 2015. Collection method: clinical testing. Allele origin: unknown.

Labcorp Genetics (formerly Invitae), Labcorp
Classification: Uncertain significance for Pontocerebellar hypoplasia type 1A. Last evaluated: 2022-02-18. Review status: criteria provided, single submitter. Criteria: Invitae Variant Classification Sherloc (09022015). Collection method: clinical testing. Allele origin: germline.
Comment: This sequence change replaces glycine, which is neutral and non-polar, with serine, which is neutral and polar, at codon 257 of the VRK1 protein (p.Gly257Ser). This variant is not present in population databases (gnomAD no frequency). This missense change has been observed in individual(s) with VRK1-related conditions (PMID: 32242460). ClinVar contains an entry for this variant (Variation ID: 425053). Algorithms developed to predict the effect of missense changes on protein structure and function are either unavailable or do not agree on the potential impact of this missense change (SIFT: "Deleterious"; PolyPhen-2: "Probably Damaging"; Align-GVGD: "Class C0"). Algorithms developed to predict the effect of sequence changes on RNA splicing suggest that this variant may create or strengthen a splice site. In summary, the available evidence is currently insufficient to determine the role of this variant in disease. Therefore, it has been classified as a Variant of Uncertain Significance.

CeGaT Center for Human Genetics Tuebingen
Classification: Uncertain significance. Last evaluated: 2016-11-01. Review status: criteria provided, single submitter. Criteria: CeGaT Center For Human Genetics Tuebingen Variant Classification Criteria Version 2. Collection method: clinical testing. Allele origin: germline. Affected: yes. Observed: 1 variant allele.

Literature cited by the submitters: PubMed 32242460 (cited by Myriad Genetics, Inc. and Labcorp Genetics (formerly Invitae), Labcorp); PubMed 38554151 (cited by Myriad Genetics, Inc.).